The following is an entry in ClinVar:

NM_005228.5(EGFR):c.3271+58C>T

Gene: EGFR (epidermal growth factor receptor; plus strand). Cytogenetic location: 7p11.2.
Variant type: single nucleotide variant.
Coding change: c.3271+58C>T on transcript NM_005228.5 (MANE Select); 58 bases into the intron after coding-DNA position 3271, C replaced by T.
Molecular consequence: intron variant. On other transcripts: missense variant (2).
Genome position (GRCh38, 1-based): chr7:55,202,683, C>T. VCF-style: chr7-55202683-C-T. GRCh37 (hg19) VCF-style: chr7-55270376-C-T.
Other names: c.3194C>T, p.Ala1065Val (NM_001346897.2); c.3329C>T, p.Ala1110Val (NM_001346898.2); c.3136+58C>T (NM_001346899.2); c.2470+58C>T (NM_001346941.2); c.3112+58C>T (NM_001346900.2); short protein forms A1065V, A1110V.
Identifiers: ClinVar variation 4881378 (VCV004881378.2).
Genomic context (GRCh38, chr7:55,202,683, plus strand): 5'-CTGGTGAGTGGCTTGTCTGGAAACAGTCCTGCTCCTCAACCTCCTCGACCCACTCAGCAG[C>T]AGCCAGTCTCCAGTGTCCAAGCCAGGTGCTCCCTCCAGCATCTCCAGAGGGGGAAACAGT-3'

ClinVar aggregate classification (germline): Uncertain significance (1 of 4 stars; one submission).

gnomAD v4.1: 29 of 1,505,622 alleles (0.0019%); highest among the groups gnomAD compares: Non-Finnish European, 0.0025%; no homozygotes.

Submission:

Dasa
Classification: Uncertain significance. Last evaluated: 2025-03-12. Review status: criteria provided, single submitter. Criteria: DASA Assertion Criteria. Collection method: clinical testing. Allele origin: germline.
Comment: NM_001346897.2(EGFR):c.3194C>T (p.Ala1065Val) is a missense variant that results in the substitution of alanine with valine. This variant is rare in population databases. Computational prediction algorithms are consistent with a benign effect. The currently available literature and clinical evidence are not sufficient to establish a definitive association between this variant and the reported condition. Therefore, this variant is classified as a variant of uncertain significance.